The following is an entry in ClinVar:

ClinVar aggregate classification (germline): Uncertain significance. Review status: criteria provided, multiple submitters, no conflicts (2 of 4 stars). 2 submissions from 2 submitters: Uncertain significance (2). Last evaluated 2023-10-03.

Allele frequency attached by ClinVar (database versions not stated): gnomAD 0.00002; TOPMed 0.00003; gnomAD exomes 0.00004 and 0.00005; ExAC 0.00007; ESP Exome Variant Server 0.00008.
gnomAD v4.1: 57 of 1,613,802 alleles (0.0035%); highest among the groups gnomAD compares: Non-Finnish European, 0.0039%; no homozygotes.

Submissions (2):

Ambry Genetics
Classification: Uncertain significance. Last evaluated: 2023-10-03. Review status: criteria provided, single submitter. Criteria: Ambry Variant Classification Scheme 2023. Collection method: clinical testing. Allele origin: germline.

Labcorp Genetics (formerly Invitae), Labcorp
Classification: Uncertain significance. Last evaluated: 2021-09-24. Review status: criteria provided, single submitter. Criteria: Invitae Variant Classification Sherloc (09022015). Collection method: clinical testing. Allele origin: germline.
Comment: This sequence change replaces valine with isoleucine at codon 312 of the SBF1 protein (p.Val312Ile). The valine residue is highly conserved and there is a small physicochemical difference between valine and isoleucine. This variant is present in population databases (rs200960070, ExAC 0.01%). This variant has not been reported in the literature in individuals with SBF1-related conditions. Algorithms developed to predict the effect of missense changes on protein structure and function are either unavailable or do not agree on the potential impact of this missense change (SIFT: "Deleterious"; PolyPhen-2: "Probably Damaging"; Align-GVGD: "Class C0"). In summary, the available evidence is currently insufficient to determine the role of this variant in disease. Therefore, it has been classified as a Variant of Uncertain Significance.

NM_002972.4(SBF1):c.934G>A (p.Val312Ile)

Gene: SBF1 (SET binding factor 1; minus strand). Cytogenetic location: 22q13.33.
Variant type: single nucleotide variant.
Coding change: c.934G>A on transcript NM_002972.4 (MANE Select); coding-DNA position 934, G replaced by A.
Protein change: p.Val312Ile; replaces valine 312 with isoleucine.
Molecular consequence: missense variant.
Genome position (GRCh38, 1-based): chr22:50,466,038, C>T on the plus strand (G>A on the coding strand, the complement: SBF1 is on the minus strand). VCF-style: chr22-50466038-C-T. GRCh37 (hg19) VCF-style: chr22-50904467-C-T.
Other names: c.937G>A, p.Val313Ile (NM_001365819.1); c.934G>A (NM_002972.2); short protein forms V313I, V312I.
Identifiers: ClinVar variation 1477398 (VCV001477398.6), dbSNP rs200960070, ClinGen allele CA10317904.
Genomic context (GRCh38, chr22:50,466,038, plus strand): 5'-GCGTCTGACTCTGCAGTGGCTCTGGCAAGGGTGGAATGTGCACACACTCAGGAATGGTGA[C>T]CGTCCCTCCATCCAGATCAGCAACAATCACATCGAGCTGCGGACCAAGGGAGCCGGCAGT-3'
Protein context (NP_002963.2, residues 302-322): VIVADLDGGT[Val312Ile]TIPECVHIPP